The following is an entry in ClinVar:

NM_001127222.2(CACNA1A):c.6646C>A (p.His2216Asn)

Gene: CACNA1A (calcium voltage-gated channel subunit alpha1 A; minus strand). Cytogenetic location: 19p13.13.
Variant type: single nucleotide variant.
Coding change: c.6646C>A on transcript NM_001127222.2 (MANE Select); coding-DNA position 6646, C replaced by A.
Protein change: p.His2216Asn; replaces histidine 2216 with asparagine.
Molecular consequence: missense variant.
Genome position (GRCh38, 1-based): chr19:13,208,890, G>T on the plus strand (C>A on the coding strand, the complement: CACNA1A is on the minus strand). VCF-style: chr19-13208890-G-T. GRCh37 (hg19) VCF-style: chr19-13319704-G-T.
Other names: c.6664C>A, p.His2222Asn (NM_000068.4, NM_023035.3); c.6649C>A, p.His2217Asn (NM_001127221.2); c.6655C>A, p.His2219Asn (NM_001174080.2); short protein forms H2216N, H2217N, H2219N, H2222N.
Identifiers: ClinVar variation 4883556 (VCV004883556.2).
Genomic context (GRCh38, chr19:13,208,890, plus strand): 5'-CGTGGTCCGGCCGTTCCTGGGCATAGCGGTCCTTGTCGGGGGGCGGGGGATGGTGGTGGT[G>T]GTGGTGGTGGTGGTGGTGCTGTCGATGCTTCCGATCCTTGGGCCGGCCCCGCTCCTGGTC-3'
Protein context (NP_001120694.1, residues 2206-2226): KHRQHHHHHH[His2216Asn]HHHPPPPDKD

ClinVar aggregate classification (germline): Uncertain significance (1 of 4 stars; one submission).

Submission:

Dasa
Classification: Uncertain significance. Last evaluated: 2025-02-08. Review status: criteria provided, single submitter. Criteria: DASA Assertion Criteria. Collection method: clinical testing. Allele origin: germline.
Comment: NM_001127222.2(CACNA1A):c.6646C>A (p.His2216Asn) is a missense variant that results in the substitution of histidine with asparagine. This variant is rare in population databases. The currently available literature and clinical evidence are not sufficient to establish a definitive association between this variant and the reported condition. Therefore, this variant is classified as a variant of uncertain significance.